The following is an entry in ClinVar:

ClinVar aggregate classification (germline): Pathogenic (1 of 4 stars; one submission).

gnomAD v4.1: 2 of 1,611,910 alleles (0.00012%); highest among the groups gnomAD compares: Non-Finnish European, 0.00017%; no homozygotes.

Submission:

GeneDx
Classification: Pathogenic. Last evaluated: 2019-10-28. Review status: criteria provided, single submitter. Criteria: GeneDx Variant Classification Process June 2021. Collection method: clinical testing. Allele origin: germline. Affected: yes.
Comment: Nonsense variant predicted to result in protein truncation or nonsense mediated decay in a gene for which loss-of-function is a known mechanism of disease; Not observed in large population cohorts (Lek et al., 2016); Has not been previously published as pathogenic or benign to our knowledge

NM_032119.4(ADGRV1):c.3592G>T (p.Glu1198Ter)

Gene: ADGRV1 (adhesion G protein-coupled receptor V1; plus strand). Cytogenetic location: 5q14.3.
Variant type: single nucleotide variant.
Coding change: c.3592G>T on transcript NM_032119.4 (MANE Select); coding-DNA position 3592, G replaced by T.
Protein change: p.Glu1198Ter; replaces glutamic acid 1198 with a stop codon.
Molecular consequence: nonsense. On other transcripts: non-coding transcript variant (1).
Genome position (GRCh38, 1-based): chr5:90,652,521, G>T. VCF-style: chr5-90652521-G-T. GRCh37 (hg19) VCF-style: chr5-89948338-G-T.
Other names: short protein forms E1198*.
Identifiers: ClinVar variation 1212799 (VCV001212799.3), dbSNP rs2149463861, ClinGen allele CA360397928.